The following is an entry in ClinVar:

ClinVar aggregate classification (germline): Uncertain significance (1 of 4 stars; one submission).

Conditions:
Intellectual developmental disorder, autosomal recessive 65. Also called: MENTAL RETARDATION, AUTOSOMAL RECESSIVE 65; Intellectual disability, autosomal recessive 65. Identifiers: MedGen C4748219, MONDO:0020850, OMIM 618109.

Submission:

Victorian Clinical Genetics Services, Murdoch Childrens Research Institute
Classification: Uncertain significance for Intellectual developmental disorder, autosomal recessive 65. Last evaluated: 2025-08-01. Review status: criteria provided, single submitter. Criteria: ACMG Guidelines, 2015. Collection method: clinical testing. Allele origin: germline. Affected: yes.
Comment: This variant is classified as VUS-3A. Evidence in support of pathogenic classification: Variant is absent from gnomAD (v2, v3 and v4); Missense variant predicted to be damaging by in silico tool(s) or highly conserved with a major amino acid change; Heterozygous variant detected in trans with a second PATHOGENIC heterozygous variant (NM_006618.5(KDM5B):c.3727C>T; p.(Arg1243*)) in a recessive disease. Additional information: Variant is predicted to result in a missense amino acid change from Ala to Pro; This variant is heterozygous; This gene is associated with both recessive and dominant disease. Biallelic pathogenic variants are associated with a more severe, syndromic intellectual disability (PMID: 29276005; DECIPHER). Heterozygous variants have also been reported in association with autosomal dominant intellectual developmental disorder; however, these variants are also frequently observed in apparently unaffected individuals (PMIDs: 29276005, 30217758, 30409806); Alternative amino acid change(s) at the same position are present in gnomAD (highest allele count: v4: 2 heterozygote(s), 0 homozygote(s)); This variant has no previous evidence of pathogenicity; No published evidence of segregation with disease has been identified for this variant; No published functional evidence has been identified for this variant; No comparable missense variants have previous evidence for pathogenicity; Variant is located in the annotated JmjC domain (DECIPHER). - Loss of function is a known mechanism of disease in this gene and is associated with autosomal recessive intellectual disability 65 (MIM#618109) and autosomal dominant neurodevelopmental disorder (MONDO:0700092), KDM5B-related; The condition associated with this gene has incomplete penetrance. While the recessive condition is fully penetrant, incomplete penetrance has been suggested for the autosomal dominant condition, where unaffected carriers of loss of function variants have been reported (PMID: 30217758, 30409806); Variants in this gene are known to have variable expressivity (PMID: 39202393).

Literature cited by the submitters: PubMed 30409806; PubMed 29276005; PubMed 30217758; PubMed 39202393.

NM_006618.5(KDM5B):c.1612G>C (p.Ala538Pro)

Gene: KDM5B (lysine demethylase 5B; minus strand). Cytogenetic location: 1q32.1.
Variant type: single nucleotide variant.
Coding change: c.1612G>C on transcript NM_006618.5 (MANE Select); coding-DNA position 1612, G replaced by C.
Protein change: p.Ala538Pro; replaces alanine 538 with proline.
Molecular consequence: missense variant.
Genome position (GRCh38, 1-based): chr1:202,752,994, C>G on the plus strand (G>C on the coding strand, the complement: KDM5B is on the minus strand). VCF-style: chr1-202752994-C-G. GRCh37 (hg19) VCF-style: chr1-202722122-C-G.
Other names: c.1720G>C, p.Ala574Pro (NM_001314042.2); c.1477G>C, p.Ala493Pro (NM_001347591.2); c.1597G>C, p.Ala533Pro (NM_001399817.1); short protein forms A493P, A533P, A538P, A574P.
Identifiers: ClinVar variation 4531372 (VCV004531372.1).